The following is an entry in ClinVar:

NM_000059.4(BRCA2):c.5042_5043del (p.Val1681fs)

Gene: BRCA2 (BRCA2 DNA repair associated; plus strand). Cytogenetic location: 13q13.1.
Variant type: Microsatellite.
Coding change: c.5042_5043del on transcript NM_000059.4 (MANE Select); coding-DNA positions 5042 to 5043, 2 bases deleted (TG; older notation c.5042_5043delTG).
Protein change: p.Val1681fs; shifts the reading frame from valine 1681.
Molecular consequence: frameshift variant.
Genome position (GRCh38, 1-based): chr13:32,339,397-32,339,398, TG deleted; deleting any 2 consecutive bases within chr13:32,339,395-32,339,398 gives the same sequence; the c. name uses the placement nearest the transcript's 3' end. VCF-style (leftmost placement, unchanged base first): chr13-32339394-CTG-C. GRCh37 (hg19) VCF-style: chr13-32913531-CTG-C.
Other names: 5270delTG; c.5042_5043delTG (NM_000059.3); short protein forms V1681fs.
Identifiers: ClinVar variation 37940 (VCV000037940.68), dbSNP rs80359478, ClinGen allele CA021171.
Genomic context (GRCh38, chr13:32,339,394, plus strand): 5'-CTTATTCAGTCATTGAAAATTCAGCCTTAGCTTTTTACACAAGTTGTAGTAGAAAAACTT[CTG>C]TGAGTCAGACTTCATTACTTGAAGCAAAAAAATGGCTTAGAGAAGGAATATTTGATGGTC-3'

ClinVar aggregate classification (germline): Pathogenic. Review status: reviewed by expert panel (3 of 4 stars). 13 submissions from 13 submitters: Pathogenic (1). 12 of the submissions do not count toward it. Last evaluated 2016-09-08.

Conditions:
Hereditary cancer-predisposing syndrome. Also called: Tumor predisposition; Neoplastic Syndromes, Hereditary; Hereditary neoplastic syndrome; Hereditary Cancer Syndrome. Identifiers: Orphanet 140162, MedGen C0027672, MeSH D009386, MONDO:0015356.
Hereditary breast ovarian cancer syndrome. Also called: Hereditary breast and ovarian cancer; Hereditary breast and ovarian cancer syndrome (HBOC); Hereditary breast and/or ovarian cancer syndrome; Breast and ovarian cancer; Hereditary breast and ovarian cancer syndrome; BRCA1- and BRCA2-Associated Hereditary Breast and Ovarian Cancer. Identifiers: Orphanet 145, MedGen C0677776, MeSH D061325, MONDO:0003582. Disease mechanism: loss of function.
Breast-ovarian cancer, familial, susceptibility to, 2 (BROVCA2). Also called: BRCA2 Hereditary Breast and Ovarian Cancer. Identifiers: Orphanet 145, MedGen C2675520, MONDO:0012933, OMIM 612555. Disease mechanism: loss of function.
Familial cancer of breast. Also called: Hereditary breast cancer; BREAST CANCER, FAMILIAL; hereditary breast carcinoma. Identifiers: Orphanet 227535, MedGen C0346153, MONDO:0016419, OMIM 114480. Disease mechanism: loss of function.

Submissions (13):

Evidence-based Network for the Interpretation of Germline Mutant Alleles (ENIGMA)
Classification: Pathogenic for Breast-ovarian cancer, familial, susceptibility to, 2. Last evaluated: 2016-09-08. Review status: reviewed by expert panel. Criteria: ENIGMA BRCA1/2 Classification Criteria (2015). Collection method: curation. Allele origin: germline.
Comment: Variant allele predicted to encode a truncated non-functional protein.

Labcorp Genetics (formerly Invitae), Labcorp
Classification: Pathogenic for Hereditary breast ovarian cancer syndrome. Last evaluated: 2025-11-11. Review status: criteria provided, single submitter. Criteria: Invitae Variant Classification Sherloc (09022015). Collection method: clinical testing. Allele origin: germline. Not counted in ClinVar's aggregate classification.
Comment: This sequence change creates a premature translational stop signal (p.Val1681Glufs*7) in the BRCA2 gene. It is expected to result in an absent or disrupted protein product. Loss-of-function variants in BRCA2 are known to be pathogenic (PMID: 20104584). This variant is not present in population databases (gnomAD no frequency). This premature translational stop signal has been observed in individual(s) with breast and/or ovarian cancer (PMID: 18489799, 22460208, 22711857, 25366421, 26843898). For these reasons, this variant has been classified as Pathogenic.

Ambry Genetics
Classification: Pathogenic for Hereditary cancer-predisposing syndrome. Last evaluated: 2025-02-07. Review status: criteria provided, single submitter. Criteria: Ambry Variant Classification Scheme 2023. Collection method: clinical testing. Allele origin: germline. Not counted in ClinVar's aggregate classification.
Comment: The c.5042_5043delTG pathogenic mutation, located in coding exon 10 of the BRCA2 gene, results from a deletion of two nucleotides between positions 5042 and 5043, causing a translational frameshift with a predicted alternate stop codon (p.V1681Efs*7). This pathogenic mutation has been reported in multiple breast and/or ovarian cancer families (Machackova E et al. BMC Cancer. 2008 May;8:140; Beristain E et al. J Community Genet. 2010 Jun;1(2):91-9; Ratajska M et al. J. Appl. Genet. 2015 May;56:193-8; de Juan I et al. Fam. Cancer. 2015 Dec;14:505-13). Of note, this alteration is also designated as 5270delTG in some published literature. This variant is considered to be rare based on population cohorts in the Genome Aggregation Database (gnomAD). In addition to the clinical data presented in the literature, this alteration is expected to result in loss of function by premature protein truncation or nonsense-mediated mRNA decay. As such, this alteration is interpreted as a disease-causing mutation.

GeneDx
Classification: Pathogenic. Last evaluated: 2024-08-05. Review status: criteria provided, single submitter. Criteria: GeneDx Variant Classification Process June 2021. Collection method: clinical testing. Allele origin: germline. Affected: yes. Not counted in ClinVar's aggregate classification.
Comment: Frameshift variant predicted to result in protein truncation or nonsense mediated decay in a gene for which loss of function is a known mechanism of disease; Observed in individuals with a personal or family history consistent with pathogenic variants in this gene (PMID: 18489799, 18824701, 22460208, 22711857, 26026974, 25366421); Truncating variants in this gene are considered pathogenic by a well-established clinical consortium and/or database; Not observed at significant frequency in large population cohorts (gnomAD); Also known as 5270delTG or 5270_5271delGT; This variant is associated with the following publications: (PMID: 26026974, 25366421, 27614696, 18824701, 18489799, 28888541, 22460208, 26843898, 22711857, 26295337, 30787465, 33067490, 30720863, 31892343, 35273153)

Revvity Omics, Revvity
Classification: Pathogenic. Last evaluated: 2024-02-29. Review status: criteria provided, single submitter. Criteria: ACMG Guidelines, 2015. Collection method: clinical testing. Allele origin: germline. Not counted in ClinVar's aggregate classification.

Quest Diagnostics Nichols Institute San Juan Capistrano
Classification: Pathogenic. Last evaluated: 2024-02-21. Review status: criteria provided, single submitter. Criteria: Quest Diagnostics criteria. Collection method: clinical testing. Allele origin: unknown. Not counted in ClinVar's aggregate classification.
Comment: The BRCA2 c.5042_5043del (p.Val1681Glufs*7) variant alters the translational reading frame of the BRCA2 mRNA and causes the premature termination of BRCA2 protein synthesis. This variant has been reported in the published literature in individuals affected with breast and/or ovarian cancer (PMIDs: 33471991 (2021), see also LOVD), 33067490 (2020), 30441849 (2018), 26026974 (2015), 25366421 (2015), 22711857 (2012), and 18489799 (2008)). This variant has not been reported in large, multi-ethnic general populations (Genome Aggregation Database). Based on the available information, this variant is classified as pathogenic.

Baylor Genetics
Classification: Pathogenic for Familial cancer of breast. Last evaluated: 2023-11-15. Review status: criteria provided, single submitter. Criteria: ACMG Guidelines, 2015. Collection method: clinical testing. Allele origin: unknown. Not counted in ClinVar's aggregate classification.

Women's Health and Genetics/Laboratory Corporation of America, LabCorp
Classification: Pathogenic for Hereditary breast ovarian cancer syndrome. Last evaluated: 2023-02-06. Review status: criteria provided, single submitter. Criteria: LabCorp Variant Classification Summary - May 2015. Collection method: clinical testing. Allele origin: germline. Not counted in ClinVar's aggregate classification.
Comment: Variant summary: BRCA2 c.5042_5043delTG (p.Val1681GlufsX7) results in a premature termination codon, predicted to cause a truncation of the encoded protein or absence of the protein due to nonsense mediated decay, which are commonly known mechanisms for disease. Truncations downstream of this position have been classified as pathogenic by our laboratory. The variant was absent in 237878 control chromosomes. The variant, c.5042_5043delTG, has been reported in the literature in multiple individuals affected with Hereditary Breast and Ovarian Cancer (eg. Alsop_2012, de Juan_2015, Machackova_2008, Ratajska_2014, Spearman_2008, Beristain_2010). These data indicate that the variant is very likely to be associated with disease. Seven clinical diagnostic laboratories have submitted clinical-significance assessments for this variant to ClinVar after 2014 without evidence for independent evaluation. All laboratories classified the variant as pathogenic. Based on the evidence outlined above, the variant was classified as pathogenic.

Color Diagnostics, LLC DBA Color Health
Classification: Pathogenic for Hereditary cancer-predisposing syndrome. Last evaluated: 2022-02-23. Review status: criteria provided, single submitter. Criteria: ACMG Guidelines, 2015. Collection method: clinical testing. Allele origin: germline. Not counted in ClinVar's aggregate classification.
Comment: This variant deletes 2 nucleotides in exon 11 of the BRCA2 gene, creating a frameshift and premature translation stop signal. This variant is expected to result in an absent or non-functional protein product. This variant has not been identified in the general population by the Genome Aggregation Database (gnomAD). Loss of BRCA2 function is a known mechanism of disease. Based on the available evidence, this variant is classified as Pathogenic.

Consortium of Investigators of Modifiers of BRCA1/2 (CIMBA), c/o University of Cambridge
Classification: Pathogenic for Breast-ovarian cancer, familial, susceptibility to, 2. Last evaluated: 2015-10-02. Review status: criteria provided, single submitter. Criteria: CIMBA Mutation Classification guidelines May 2016. Collection method: clinical testing. Allele origin: germline. Not counted in ClinVar's aggregate classification.

Research Molecular Genetics Laboratory, Women's College Hospital, University of Toronto
Classification: Pathogenic for Hereditary breast ovarian cancer syndrome. Last evaluated: 2014-01-31. Review status: no assertion criteria provided. Collection method: research. Allele origin: germline. Affected: yes. Study: The Canadian Open Genetics Repository (COGR). Not counted in ClinVar's aggregate classification.

Sharing Clinical Reports Project (SCRP)
Classification: Pathogenic for Breast-ovarian cancer, familial 2. Last evaluated: 2011-08-30. Review status: no assertion criteria provided. Collection method: clinical testing. Allele origin: germline. Not counted in ClinVar's aggregate classification.

Breast Cancer Information Core (BIC) (BRCA2)
Classification: Pathogenic for Breast-ovarian cancer, familial 2. Last evaluated: 1999-06-22. Review status: no assertion criteria provided. Collection method: clinical testing. Allele origin: germline. Affected: yes. Observed: 2 variant alleles. Not counted in ClinVar's aggregate classification.

Literature cited by the submitters: PubMed 20104584 (cited by Labcorp Genetics (formerly Invitae), Labcorp); PubMed 18489799 (cited by 4 submitters); PubMed 22460208 (cited by Labcorp Genetics (formerly Invitae), Labcorp and Women's Health and Genetics/Laboratory Corporation of America, LabCorp); PubMed 22711857 (cited by 4 submitters); PubMed 25366421 (cited by 5 submitters); PubMed 26843898 (cited by Labcorp Genetics (formerly Invitae), Labcorp and Quest Diagnostics Nichols Institute San Juan Capistrano); PubMed 26026974 (cited by 4 submitters); PubMed 33067490 (cited by 3 submitters); PubMed 30720863 (cited by Quest Diagnostics Nichols Institute San Juan Capistrano); PubMed 26295337 (cited by Quest Diagnostics Nichols Institute San Juan Capistrano); PubMed 33471991 (cited by Quest Diagnostics Nichols Institute San Juan Capistrano and Color Diagnostics, LLC DBA Color Health); PubMed 30441849 (cited by Quest Diagnostics Nichols Institute San Juan Capistrano and Color Diagnostics, LLC DBA Color Health); PubMed 18824701 (cited by Women's Health and Genetics/Laboratory Corporation of America, LabCorp); PubMed 26023681 (cited by Color Diagnostics, LLC DBA Color Health); PubMed 29254167 (cited by Color Diagnostics, LLC DBA Color Health); PubMed 29446198 (cited by Color Diagnostics, LLC DBA Color Health).